The following is an entry in ClinVar:

ClinVar aggregate classification (germline): Benign/Likely benign. Review status: criteria provided, multiple submitters, no conflicts (2 of 4 stars). 3 submissions from 3 submitters: Benign (1); Likely benign (2). Last evaluated 2022-11-01.

Conditions:
Cardiovascular phenotype. Identifiers: MedGen CN230736.
Long QT syndrome (LQTS). Identifiers: MedGen C0023976, MeSH D008133, MONDO:0002442. Disease mechanism: loss of function. Inheritance: Various modes of inheritance.

Allele frequency attached by ClinVar (database versions not stated): gnomAD exomes below 0.00001 and 0.00001; TOPMed 0.00001; gnomAD 0.00002.
gnomAD v4.1: 28 of 1,612,764 alleles (0.0017%); highest among the groups gnomAD compares: Non-Finnish European, 0.0019%; no homozygotes.

Submissions (3):

Labcorp Genetics (formerly Invitae), Labcorp
Classification: Likely benign for Long QT syndrome. Last evaluated: 2022-11-01. Review status: criteria provided, single submitter. Criteria: Invitae Variant Classification Sherloc (09022015). Collection method: clinical testing. Allele origin: germline.

Ambry Genetics
Classification: Likely benign for Cardiovascular phenotype. Last evaluated: 2022-01-27. Review status: criteria provided, single submitter. Criteria: Ambry Variant Classification Scheme 2023. Collection method: clinical testing. Allele origin: germline.

GeneDx
Classification: Benign. Last evaluated: 2014-01-15. Review status: criteria provided, single submitter. Criteria: GeneDx Variant Classification (06012015). Collection method: clinical testing. Allele origin: germline. Affected: yes.
Comment: This variant is considered likely benign or benign based on one or more of the following criteria: it is a conservative change, it occurs at a poorly conserved position in the protein, it is predicted to be benign by multiple in silico algorithms, and/or has population frequency not consistent with disease.

NM_033337.3(CAV3):c.30G>A (p.Glu10=)

Gene: CAV3 (caveolin 3; plus strand). Cytogenetic location: 3p25.3.
Variant type: single nucleotide variant.
Coding change: c.30G>A on transcript NM_033337.3 (MANE Select); coding-DNA position 30, G replaced by A.
Protein change: p.Glu10=; no amino-acid change (glutamic acid 10 retained).
Molecular consequence: synonymous variant.
Genome position (GRCh38, 1-based): chr3:8,733,906, G>A. VCF-style: chr3-8733906-G-A. GRCh37 (hg19) VCF-style: chr3-8775592-G-A.
Other names: p.E10E:GAG>GAA; c.30G>A, p.Glu10= (NM_001234.5).
Identifiers: ClinVar variation 136661 (VCV000136661.10), dbSNP rs587780883, ClinGen allele CA289960.